The following is an entry in ClinVar:

NM_006421.5(ARFGEF1):c.3724C>G (p.His1242Asp)

Gene: ARFGEF1 (ARF guanine nucleotide exchange factor 1; minus strand). Cytogenetic location: 8q13.2.
Variant type: single nucleotide variant.
Coding change: c.3724C>G on transcript NM_006421.5 (MANE Select); coding-DNA position 3724, C replaced by G.
Protein change: p.His1242Asp; replaces histidine 1242 with aspartic acid.
Molecular consequence: missense variant. On other transcripts: non-coding transcript variant (1).
Genome position (GRCh38, 1-based): chr8:67,227,466, G>C on the plus strand (C>G on the coding strand, the complement: ARFGEF1 is on the minus strand). VCF-style: chr8-67227466-G-C. GRCh37 (hg19) VCF-style: chr8-68139701-G-C.
Other names: c.3724C>G, p.His1242Asp (NM_001413184.1, NM_001413185.1, NM_001413186.1 and 6 more transcripts); c.3124C>G, p.His1042Asp (NM_001413188.1, NM_001413193.1, NM_001413197.1); c.3718C>G, p.His1240Asp (NM_001413190.1); c.2299C>G, p.His767Asp (NM_001413196.1); short protein forms H1042D, H1240D, H767D, H1242D.
Identifiers: ClinVar variation 4991984 (VCV004991984.1).

ClinVar aggregate classification (germline): Uncertain significance (1 of 4 stars; one submission).

Conditions:
ARFGEF1-related disorder. Also called: ARFGEF1-related condition.

Submission:

PreventionGenetics, part of Exact Sciences
Classification: Uncertain significance for ARFGEF1-related condition. Last evaluated: 2025-12-29. Review status: criteria provided, single submitter. Criteria: ACMG Guidelines, 2015. Collection method: clinical testing. Allele origin: germline.
Comment: The ARFGEF1 c.3724C>G variant is predicted to result in the amino acid substitution p.His1242Asp. To our knowledge, this variant has not been reported in the literature or in a large population database (gnomAD), indicating this variant is rare. At this time, the clinical significance of this variant is uncertain due to the absence of conclusive functional and genetic evidence.